The following is an entry in ClinVar:

ClinVar aggregate classification (germline): Conflicting classifications of pathogenicity. Review status: criteria provided, conflicting classifications (1 of 4 stars). 2 submissions from 2 submitters: Likely pathogenic (1); Uncertain significance (1). Last evaluated 2021-10-04.

Conditions:
Microcephaly and chorioretinopathy 1. Also called: Microcephaly and chorioretinopathy, autosomal recessive, 1. Identifiers: MedGen C3278481, MONDO:0009624, OMIM 251270.

Submissions (2):

MGZ Medical Genetics Center
Classification: Likely pathogenic for Microcephaly and chorioretinopathy 1. Last evaluated: 2021-10-04. Review status: criteria provided, single submitter. Criteria: ACMG Guidelines, 2015. Collection method: clinical testing. Allele origin: germline. Affected: yes. Observed: 1 variant allele.
Comment: ACMG criteria applied: PVS1, PM2_SUP

Labcorp Genetics (formerly Invitae), Labcorp
Classification: Uncertain significance. Last evaluated: 2021-07-13. Review status: criteria provided, single submitter. Criteria: Invitae Variant Classification Sherloc (09022015). Collection method: clinical testing. Allele origin: germline.
Comment: This sequence change creates a premature translational stop signal (p.Pro1759Leufs*33) in the TUBGCP6 gene. While this is not anticipated to result in nonsense mediated decay, it is expected to disrupt the last 61 amino acid(s) of the TUBGCP6 protein. The frequency data for this variant in the population databases is considered unreliable, as metrics indicate poor data quality at this position in the ExAC database. This variant has not been reported in the literature in individuals affected with TUBGCP6-related conditions. Experimental studies and prediction algorithms are not available or were not evaluated, and the functional significance of this variant is currently unknown. In summary, the available evidence is currently insufficient to determine the role of this variant in disease. Therefore, it has been classified as a Variant of Uncertain Significance.

NM_020461.4(TUBGCP6):c.5276del (p.Pro1759fs)

Gene: TUBGCP6 (tubulin gamma complex component 6; minus strand). Cytogenetic location: 22q13.33.
Variant type: Deletion.
Coding change: c.5276del on transcript NM_020461.4 (MANE Select); coding-DNA position 5276, one base deleted (C; older notation c.5276delC).
Protein change: p.Pro1759fs; shifts the reading frame from proline 1759.
Molecular consequence: frameshift variant.
Genome position (GRCh38, 1-based): chr22:50,218,010, G deleted on the plus strand (C on the coding strand, the reverse complement: TUBGCP6 is on the minus strand); the first of 5 consecutive G bases (chr22:50,218,010-50,218,014); deleting any one gives the same sequence. VCF-style (leftmost placement, unchanged base first): chr22-50218009-AG-A. GRCh37 (hg19) VCF-style: chr22-50656438-AG-A.
Other names: short protein forms P1759fs.
Identifiers: ClinVar variation 1347135 (VCV001347135.7), dbSNP rs746218503, ClinGen allele CA10307093.
Genomic context (GRCh38, chr22:50,218,009, plus strand): 5'-GGTGTTGTAGGACTGCTGCATGAGTGCAAAGTTGGGGTGCTCTGCACCCCGCGGGCCCCC[AG>A]GGGGCCCCCAGGCCTGGGAGATGAGCTGGCTGCGGAACTTGAGCACGAGGCTGAAGATGC-3'